The following is an entry in ClinVar:

NM_005765.2(ATP6AP2):c.-248A>T

Genes: ATP6AP2 (ATPase H+ transporting accessory protein 2; plus strand), LOC130068148 (ATAC-STARR-seq lymphoblastoid active region 29547; plus strand). Cytogenetic location: Xp11.4.
Variant type: single nucleotide variant.
Coding change: c.-248A>T on transcript NM_005765.2; 248 bases upstream of the start codon, A replaced by T.
Genome position (GRCh38, 1-based): chrX:40,580,818, A>T. VCF-style: chrX-40580818-A-T. GRCh37 (hg19) VCF-style: chrX-40440070-A-T.
Identifiers: ClinVar variation 677651 (VCV000677651.3), dbSNP rs191737410, ClinGen allele CA328980547.

ClinVar aggregate classification (germline): Likely benign (1 of 4 stars; one submission).

Allele frequency attached by ClinVar (database versions not stated): gnomAD 0.00673 and 0.00709; TOPMed 0.00789; 1000 Genomes Project 30x 0.01020; gnomAD exomes 0.00092; 1000 Genomes Project 0.00901.

Submission:

GeneDx
Classification: Likely benign. Last evaluated: 2018-06-19. Review status: criteria provided, single submitter. Criteria: GeneDx Variant Classification (06012015). Collection method: clinical testing. Allele origin: germline. Affected: yes.
Comment: This variant is considered likely benign or benign based on one or more of the following criteria: it is a conservative change, it occurs at a poorly conserved position in the protein, it is predicted to be benign by multiple in silico algorithms, and/or has population frequency not consistent with disease.